The following is an entry in ClinVar:

NM_000642.3(AGL):c.4176dup (p.Thr1393fs)

Gene: AGL (amylo-alpha-1,6-glucosidase and 4-alpha-glucanotransferase; plus strand). Cytogenetic location: 1p21.2.
Variant type: Duplication.
Coding change: c.4176dup on transcript NM_000642.3 (MANE Select); coding-DNA position 4176, one base duplicated (T; older notation c.4176dupT).
Protein change: p.Thr1393fs; shifts the reading frame from threonine 1393.
Molecular consequence: frameshift variant.
Genome position (GRCh38, 1-based): chr1:99,915,403, T duplicated; the last of 3 consecutive T bases (chr1:99,915,401-99,915,403); duplicating any one gives the same sequence. VCF-style (leftmost placement, unchanged base first): chr1-99915400-C-CT. GRCh37 (hg19) VCF-style: chr1-100380956-C-CT.
Other names: c.4176dup, p.Thr1393Tyrfs (NM_000028.3, NM_000643.3, NM_000644.3 and 1 more transcripts); c.4128dup, p.Thr1377Tyrfs (NM_000646.3); c.4155dup, p.Thr1386Tyrfs (NM_001425326.1); c.3975dup, p.Thr1326Tyrfs (NM_001425327.1); c.3972dup, p.Thr1325Tyrfs (NM_001425328.1); c.3837dup, p.Thr1280Tyrfs (NM_001425329.1); c.3798dup, p.Thr1267Tyrfs (NM_001425332.1); short protein forms T1377fs, T1393fs.
Identifiers: ClinVar variation 2029783 (VCV002029783.4), dbSNP rs1057517405, ClinGen allele CA2580063393.

ClinVar aggregate classification (germline): Pathogenic (1 of 4 stars; one submission).

Conditions:
Glycogen storage disease type III (GSD3). Also called: Cori disease; FORBES DISEASE. Identifiers: Orphanet 366, MedGen C0017922, MONDO:0009291, OMIM 232400.

Submission:

Labcorp Genetics (formerly Invitae), Labcorp
Classification: Pathogenic for Glycogen storage disease type III. Last evaluated: 2022-09-09. Review status: criteria provided, single submitter. Criteria: Invitae Variant Classification Sherloc (09022015). Collection method: clinical testing. Allele origin: germline.
Comment: This sequence change creates a premature translational stop signal (p.Thr1393Tyrfs*29) in the AGL gene. It is expected to result in an absent or disrupted protein product. Loss-of-function variants in AGL are known to be pathogenic (PMID: 19299494). For these reasons, this variant has been classified as Pathogenic. This variant has not been reported in the literature in individuals affected with AGL-related conditions. This variant is not present in population databases (gnomAD no frequency).

Literature cited by the submitters: PubMed 19299494.